The following is an entry in ClinVar:

NM_001114753.3(ENG):c.-21A>G

Gene: ENG (endoglin; minus strand). Cytogenetic location: 9q34.11.
Variant type: single nucleotide variant.
Coding change: c.-21A>G on transcript NM_001114753.3 (MANE Select); 21 bases upstream of the start codon, A replaced by G.
Molecular consequence: 5 prime UTR variant.
Genome position (GRCh38, 1-based): chr9:127,854,376, T>C on the plus strand (A>G on the coding strand, the complement: ENG is on the minus strand). VCF-style: chr9-127854376-T-C. GRCh37 (hg19) VCF-style: chr9-130616655-T-C.
Other names: c.-21A>G (NM_000118.4, NM_001406715.1).
Identifiers: ClinVar variation 2199062 (VCV002199062.4), dbSNP rs745769815, ClinGen allele CA5253272.

ClinVar aggregate classification (germline): Uncertain significance (1 of 4 stars; one submission).

Conditions:
Hereditary hemorrhagic telangiectasia (HHT). Also called: ORW DISEASE; Osler Weber Rendu syndrome; OSLER-RENDU-WEBER DISEASE; Osler hemorrhagic telangiectasia syndrome. Identifiers: Orphanet 774, MedGen C0039445, MONDO:0019180. Disease mechanism: loss of function.

Allele frequency attached by ClinVar (database versions not stated): gnomAD exomes below 0.00001; gnomAD 0.00001; TOPMed 0.00001; ExAC 0.00003.
gnomAD v4.1: 2 of 1,573,548 alleles (0.00013%); highest among the groups gnomAD compares: Non-Finnish European, 0.00017%; no homozygotes.

Submission:

Labcorp Genetics (formerly Invitae), Labcorp
Classification: Uncertain significance for Hereditary hemorrhagic telangiectasia. Last evaluated: 2022-04-21. Review status: criteria provided, single submitter. Criteria: Invitae Variant Classification Sherloc (09022015). Collection method: clinical testing. Allele origin: germline.
Comment: Experimental studies and prediction algorithms are not available or were not evaluated, and the functional significance of this variant is currently unknown. This variant occurs in a non-coding region of the ENG gene. It does not change the encoded amino acid sequence of the ENG protein. The frequency data for this variant in the population databases is considered unreliable, as metrics indicate poor data quality at this position in the gnomAD database. This variant has not been reported in the literature in individuals affected with ENG-related conditions. In summary, the available evidence is currently insufficient to determine the role of this variant in disease. Therefore, it has been classified as a Variant of Uncertain Significance.